The following is an entry in ClinVar:

NM_000448.3(RAG1):c.2035A>G (p.Ile679Val)

Gene: RAG1 (recombination activating 1; plus strand). Cytogenetic location: 11p12.
Variant type: single nucleotide variant.
Coding change: c.2035A>G on transcript NM_000448.3 (MANE Select); coding-DNA position 2035, A replaced by G.
Protein change: p.Ile679Val; replaces isoleucine 679 with valine.
Molecular consequence: missense variant.
Genome position (GRCh38, 1-based): chr11:36,575,339, A>G. VCF-style: chr11-36575339-A-G. GRCh37 (hg19) VCF-style: chr11-36596889-A-G.
Other names: c.2035A>G, p.Ile679Val (NM_001377277.1, NM_001377278.1, NM_001377279.1 and 1 more transcripts); short protein forms I679V.
Identifiers: ClinVar variation 834987 (VCV000834987.5), dbSNP rs143227621, ClinGen allele CA5950207.
Genomic context (GRCh38, chr11:36,575,339, plus strand): 5'-TGCCTTATGCTGGCAGATGAGTCTGACCACGAGACGCTGACTGCCATCCTGAGTCCTCTC[A>G]TTGCTGAGAGGGAGGCCATGAAGAGCAGTGAATTAATGCTTGAGCTGGGAGGCATTCTCC-3'
Protein context (NP_000439.2, residues 669-689): ETLTAILSPL[Ile679Val]AEREAMKSSE

ClinVar aggregate classification (germline): Uncertain significance (1 of 4 stars; one submission).

Conditions:
Combined immunodeficiency with skin granulomas. Identifiers: Orphanet 157949, MedGen C2673536, MONDO:0009306, OMIM 233650.
Severe combined immunodeficiency, autosomal recessive, T cell-negative, B cell-negative, NK cell-positive. Also called: SCID, T CELL-NEGATIVE, B CELL-NEGATIVE, NK CELL-POSITIVE; SCID, AR, T-cell negative, B-cell negative, NK cell-positive; Severe combined immunodeficiency due to complete RAG1/2 deficiency. Identifiers: Orphanet 331206, MedGen C1832322, MONDO:0011086, OMIM 601457.

Allele frequency attached by ClinVar (database versions not stated): ExAC 0.00001; gnomAD exomes 0.00002; ESP Exome Variant Server 0.00008; gnomAD 0.00015 and 0.00016; TOPMed 0.00016; 1000 Genomes Project 0.00020; 1000 Genomes Project 30x 0.00031.
gnomAD v4.1: 49 of 1,614,166 alleles (0.003%); highest among the groups gnomAD compares: African/African-American, 0.055%; no homozygotes.

Submission:

Labcorp Genetics (formerly Invitae), Labcorp
Classification: Uncertain significance for Combined immunodeficiency with skin granulomas; Severe combined immunodeficiency, autosomal recessive, T cell-negative, B cell-negative, NK cell-positive. Last evaluated: 2022-06-04. Review status: criteria provided, single submitter. Criteria: Invitae Variant Classification Sherloc (09022015). Collection method: clinical testing. Allele origin: germline.
Comment: This sequence change replaces isoleucine, which is neutral and non-polar, with valine, which is neutral and non-polar, at codon 679 of the RAG1 protein (p.Ile679Val). This variant is present in population databases (rs143227621, gnomAD 0.04%). This variant has not been reported in the literature in individuals affected with RAG1-related conditions. ClinVar contains an entry for this variant (Variation ID: 834987). Advanced modeling of protein sequence and biophysical properties (such as structural, functional, and spatial information, amino acid conservation, physicochemical variation, residue mobility, and thermodynamic stability) performed at Invitae indicates that this missense variant is not expected to disrupt RAG1 protein function. In summary, the available evidence is currently insufficient to determine the role of this variant in disease. Therefore, it has been classified as a Variant of Uncertain Significance.